The following is an entry in ClinVar:

NM_000238.4(KCNH2):c.1968C>A (p.Phe656Leu)

Gene: KCNH2 (potassium voltage-gated channel subfamily H member 2; minus strand). Cytogenetic location: 7q36.1.
Variant type: single nucleotide variant.
Coding change: c.1968C>A on transcript NM_000238.4 (MANE Select); coding-DNA position 1968, C replaced by A.
Protein change: p.Phe656Leu; replaces phenylalanine 656 with leucine.
Molecular consequence: missense variant.
Genome position (GRCh38, 1-based): chr7:150,951,098, G>T on the plus strand (C>A on the coding strand, the complement: KCNH2 is on the minus strand). VCF-style: chr7-150951098-G-T. GRCh37 (hg19) VCF-style: chr7-150648186-G-T.
Other names: c.948C>A, p.Phe316Leu (NM_001204798.2, NM_172057.3); c.1680C>A, p.Phe560Leu (NM_001406753.1, NM_001406756.1); c.1791C>A, p.Phe597Leu (NM_001406755.1); c.1668C>A, p.Phe556Leu (NM_001406757.1); c.1968C>A, p.Phe656Leu (NM_172056.3); short protein forms F316L, F656L, F556L, F597L, F560L.
Identifiers: ClinVar variation 1420725 (VCV001420725.7), dbSNP rs1238904019, ClinGen allele CA369857742.

ClinVar aggregate classification (germline): Uncertain significance (1 of 4 stars; one submission).

Conditions:
Long QT syndrome (LQTS). Identifiers: MedGen C0023976, MeSH D008133, MONDO:0002442. Disease mechanism: loss of function. Inheritance: Various modes of inheritance.

Submission:

Labcorp Genetics (formerly Invitae), Labcorp
Classification: Uncertain significance for Long QT syndrome. Last evaluated: 2021-11-25. Review status: criteria provided, single submitter. Criteria: Invitae Variant Classification Sherloc (09022015). Collection method: clinical testing. Allele origin: germline.
Comment: This sequence change replaces phenylalanine, which is neutral and non-polar, with leucine, which is neutral and non-polar, at codon 656 of the KCNH2 protein (p.Phe656Leu). This variant is not present in population databases (gnomAD no frequency). In summary, the available evidence is currently insufficient to determine the role of this variant in disease. Therefore, it has been classified as a Variant of Uncertain Significance. Algorithms developed to predict the effect of sequence changes on RNA splicing suggest that this variant may create or strengthen a splice site. Algorithms developed to predict the effect of missense changes on protein structure and function are either unavailable or do not agree on the potential impact of this missense change (SIFT: "Deleterious"; PolyPhen-2: "Probably Damaging"; Align-GVGD: "Class C15"). This missense change has been observed in individuals with long QT syndrome (PMID: 30244407).

Literature cited by the submitters: PubMed 30244407.